The following is an entry in ClinVar:

NM_001134673.4(NFIA):c.766A>G (p.Ser256Gly)

Gene: NFIA (nuclear factor I A; plus strand). Cytogenetic location: 1p31.3.
Variant type: single nucleotide variant.
Coding change: c.766A>G on transcript NM_001134673.4 (MANE Select); coding-DNA position 766, A replaced by G.
Protein change: p.Ser256Gly; replaces serine 256 with glycine.
Molecular consequence: missense variant.
Genome position (GRCh38, 1-based): chr1:61,352,515, A>G. VCF-style: chr1-61352515-A-G. GRCh37 (hg19) VCF-style: chr1-61818187-A-G.
Other names: c.742A>G, p.Ser248Gly (NM_001145511.2); c.901A>G, p.Ser301Gly (NM_001145512.2); c.766A>G, p.Ser256Gly (NM_005595.5); short protein forms S248G, S256G, S301G.
Identifiers: ClinVar variation 1722995 (VCV001722995.2), dbSNP rs2525109508, ClinGen allele CA340587868.

ClinVar aggregate classification (germline): Uncertain significance (1 of 4 stars; one submission).

Allele frequency attached by ClinVar (database versions not stated): gnomAD exomes below 0.00001.
gnomAD v4.1: 1 of 1,614,068 alleles (0.000062%); highest among the groups gnomAD compares: South Asian, 0.0011%; no homozygotes.

Submission:

GeneDx
Classification: Uncertain significance. Last evaluated: 2022-05-05. Review status: criteria provided, single submitter. Criteria: GeneDx Variant Classification Process June 2021. Collection method: clinical testing. Allele origin: germline. Affected: yes.
Comment: Not observed at significant frequency in large population cohorts (gnomAD); In silico analysis supports that this missense variant does not alter protein structure/function; Has not been previously published as pathogenic or benign to our knowledge